The following is an entry in ClinVar:

NM_014332.3(SMPX):c.140del (p.Pro47fs)

Gene: SMPX (small muscle protein X-linked; minus strand). Cytogenetic location: Xp22.12.
Variant type: Deletion.
Coding change: c.140del on transcript NM_014332.3 (MANE Select); coding-DNA position 140, one base deleted (C; older notation c.140delC).
Protein change: p.Pro47fs; shifts the reading frame from proline 47.
Molecular consequence: frameshift variant. On other transcripts: non-coding transcript variant (1).
Genome position (GRCh38, 1-based): chrX:21,737,690, G deleted on the plus strand (C on the coding strand, the reverse complement: SMPX is on the minus strand); the first of 2 consecutive G bases (chrX:21,737,690-21,737,691); deleting either gives the same sequence. VCF-style (leftmost placement, unchanged base first): chrX-21737689-AG-A. GRCh37 (hg19) VCF-style: chrX-21755807-AG-A.
Other names: short protein forms P47fs.
Identifiers: ClinVar variation 1065047 (VCV001065047.3), dbSNP rs2147387122, ClinGen allele CA2499226559.

ClinVar aggregate classification (germline): Likely pathogenic (1 of 4 stars; one submission).

Conditions:
Hearing impairment. Also called: Impaired Hearing. Identifiers: MedGen C1384666, MONDO:0005365, HP:0000365.

Submission:

Department of Otolaryngology – Head & Neck Surgery, Cochlear Implant Center
Classification: Likely pathogenic for Hearing impairment. Last evaluated: 2021-04-12. Review status: criteria provided, single submitter. Criteria: ClinGen HL ACMG Specifications v1. Collection method: clinical testing. Allele origin: germline. Affected: yes.
Comment: PVS1_Strong, PM2_Moderate